The following is an entry in ClinVar:

NM_000512.5(GALNS):c.1105C>T (p.Leu369Phe)

Gene: GALNS (galactosamine (N-acetyl)-6-sulfatase; minus strand). Cytogenetic location: 16q24.3.
Variant type: single nucleotide variant.
Coding change: c.1105C>T on transcript NM_000512.5 (MANE Select); coding-DNA position 1105, C replaced by T.
Protein change: p.Leu369Phe; replaces leucine 369 with phenylalanine.
Molecular consequence: missense variant.
Genome position (GRCh38, 1-based): chr16:88,826,736, G>A on the plus strand (C>T on the coding strand, the complement: GALNS is on the minus strand). VCF-style: chr16-88826736-G-A. GRCh37 (hg19) VCF-style: chr16-88893144-G-A.
Other names: c.550C>T, p.Leu184Phe (NM_001323543.2); c.1123C>T, p.Leu375Phe (NM_001323544.2); short protein forms L369F, L375F, L184F.
Identifiers: ClinVar variation 884854 (VCV000884854.9), dbSNP rs368784505, ClinGen allele CA8234825.

ClinVar aggregate classification (germline): Uncertain significance. Review status: criteria provided, multiple submitters, no conflicts (2 of 4 stars). 3 submissions from 3 submitters: Uncertain significance (3). Last evaluated 2024-08-02.

Conditions:
Mucopolysaccharidosis, MPS-IV-A (MPS4A). Also called: Mucopolysaccharidosis type IV A; MPS IVA; GALACTOSAMINE-6-SULFATASE DEFICIENCY; GALNS DEFICIENCY; MORQUIO A DISEASE; mucopolysaccharidosis type 4A. Identifiers: Orphanet 309297, Orphanet 582, MedGen C0086651, MONDO:0009659, OMIM 253000.

Allele frequency attached by ClinVar (database versions not stated): gnomAD 0.00001; TOPMed 0.00002; gnomAD exomes 0.00004 and 0.00011; ExAC 0.00005; ESP Exome Variant Server 0.00008.

Submissions (3):

Blueprint Genetics
Classification: Uncertain significance. Last evaluated: 2024-08-02. Review status: criteria provided, single submitter. Criteria: ACMG Guidelines, 2015. Collection method: clinical testing. Allele origin: germline.

Labcorp Genetics (formerly Invitae), Labcorp
Classification: Uncertain significance for Mucopolysaccharidosis, MPS-IV-A. Last evaluated: 2022-02-05. Review status: criteria provided, single submitter. Criteria: Invitae Variant Classification Sherloc (09022015). Collection method: clinical testing. Allele origin: germline.
Comment: This sequence change replaces leucine, which is neutral and non-polar, with phenylalanine, which is neutral and non-polar, at codon 369 of the GALNS protein (p.Leu369Phe). This variant is present in population databases (rs368784505, gnomAD 0.006%). This variant has not been reported in the literature in individuals affected with GALNS-related conditions. ClinVar contains an entry for this variant (Variation ID: 884854). Advanced modeling of protein sequence and biophysical properties (such as structural, functional, and spatial information, amino acid conservation, physicochemical variation, residue mobility, and thermodynamic stability) performed at Invitae indicates that this missense variant is expected to disrupt GALNS protein function. In summary, the available evidence is currently insufficient to determine the role of this variant in disease. Therefore, it has been classified as a Variant of Uncertain Significance.

Illumina Laboratory Services, Illumina
Classification: Uncertain significance for Mucopolysaccharidosis, MPS-IV-A. Last evaluated: 2018-01-13. Review status: criteria provided, single submitter. Criteria: ICSL Variant Classification Criteria 13 December 2019. Collection method: clinical testing. Allele origin: germline.